The following is an entry in ClinVar:

ClinVar aggregate classification (germline): Uncertain significance. Review status: criteria provided, multiple submitters, no conflicts (2 of 4 stars). 2 submissions from 2 submitters: Uncertain significance (2). Last evaluated 2024-10-07.

Conditions:
Peroxisome biogenesis disorder 12A (Zellweger). Also called: Peroxisome biogenesis disorder 12A. Identifiers: Orphanet 912, MedGen C3554002, MONDO:0013951, OMIM 614886.

Allele frequency attached by ClinVar (database versions not stated): ExAC 0.00024.
gnomAD v4.1: 84 of 1,613,942 alleles (0.0052%); highest among the groups gnomAD compares: Non-Finnish European, 0.0059%; no homozygotes.

Submissions (2):

Blueprint Genetics
Classification: Uncertain significance. Last evaluated: 2024-10-07. Review status: criteria provided, single submitter. Criteria: ACMG Guidelines, 2015. Collection method: clinical testing. Allele origin: germline.

Labcorp Genetics (formerly Invitae), Labcorp
Classification: Uncertain significance for Peroxisome biogenesis disorder 12A (Zellweger). Last evaluated: 2022-07-26. Review status: criteria provided, single submitter. Criteria: Invitae Variant Classification Sherloc (09022015). Collection method: clinical testing. Allele origin: germline.
Comment: This sequence change replaces histidine, which is basic and polar, with leucine, which is neutral and non-polar, at codon 206 of the PEX19 protein (p.His206Leu). This variant is present in population databases (rs761372588, gnomAD 0.03%). This variant has not been reported in the literature in individuals affected with PEX19-related conditions. ClinVar contains an entry for this variant (Variation ID: 1394409). Algorithms developed to predict the effect of missense changes on protein structure and function are either unavailable or do not agree on the potential impact of this missense change (SIFT: "Deleterious"; PolyPhen-2: "Benign"; Align-GVGD: "Class C0"). In summary, the available evidence is currently insufficient to determine the role of this variant in disease. Therefore, it has been classified as a Variant of Uncertain Significance.

NM_002857.4(PEX19):c.617A>T (p.His206Leu)

Gene: PEX19 (peroxisomal biogenesis factor 19; minus strand). Cytogenetic location: 1q23.2.
Variant type: single nucleotide variant.
Coding change: c.617A>T on transcript NM_002857.4 (MANE Select); coding-DNA position 617, A replaced by T.
Protein change: p.His206Leu; replaces histidine 206 with leucine.
Molecular consequence: missense variant. On other transcripts: non-coding transcript variant (2).
Genome position (GRCh38, 1-based): chr1:160,280,224, T>A on the plus strand (A>T on the coding strand, the complement: PEX19 is on the minus strand). VCF-style: chr1-160280224-T-A. GRCh37 (hg19) VCF-style: chr1-160250014-T-A.
Other names: c.617A>T, p.His206Leu (NM_001193644.1); short protein forms H206L.
Identifiers: ClinVar variation 1394409 (VCV001394409.4), dbSNP rs761372588, ClinGen allele CA1197293.